The following is an entry in ClinVar:

NM_002246.3(KCNK3):c.872C>T (p.Ala291Val)

Gene: KCNK3 (potassium two pore domain channel subfamily K member 3; plus strand). Cytogenetic location: 2p23.3.
Variant type: single nucleotide variant.
Coding change: c.872C>T on transcript NM_002246.3 (MANE Select); coding-DNA position 872, C replaced by T.
Protein change: p.Ala291Val; replaces alanine 291 with valine.
Molecular consequence: missense variant.
Genome position (GRCh38, 1-based): chr2:26,728,255, C>T. VCF-style: chr2-26728255-C-T. GRCh37 (hg19) VCF-style: chr2-26951123-C-T.
Other names: short protein forms A291V.
Identifiers: ClinVar variation 948244 (VCV000948244.8), dbSNP rs764097891, ClinGen allele CA1565566.

ClinVar aggregate classification (germline): Uncertain significance. Review status: criteria provided, multiple submitters, no conflicts (2 of 4 stars). 2 submissions from 2 submitters: Uncertain significance (2). Last evaluated 2025-09-01.

Conditions:
Inborn genetic diseases. Identifiers: MedGen C0950123, MeSH D030342.
Pulmonary hypertension, primary, 4. Identifiers: Orphanet 422, MedGen C3809198, MONDO:0014136, OMIM 615344.

Allele frequency attached by ClinVar (database versions not stated): gnomAD exomes 0.00001 and 0.00005; ExAC 0.00007; gnomAD 0.00011 and 0.00013; TOPMed 0.00018.
gnomAD v4.1: 35 of 1,581,426 alleles (0.0022%); highest among the groups gnomAD compares: African/African-American, 0.036%; no homozygotes.

Submissions (2):

Labcorp Genetics (formerly Invitae), Labcorp
Classification: Uncertain significance for Pulmonary hypertension, primary, 4. Last evaluated: 2025-09-01. Review status: criteria provided, single submitter. Criteria: Invitae Variant Classification Sherloc (09022015). Collection method: clinical testing. Allele origin: germline.
Comment: This sequence change replaces alanine, which is neutral and non-polar, with valine, which is neutral and non-polar, at codon 291 of the KCNK3 protein (p.Ala291Val). The frequency data for this variant in the population databases is considered unreliable, as metrics indicate poor data quality at this position in the gnomAD database. This variant has not been reported in the literature in individuals affected with KCNK3-related conditions. ClinVar contains an entry for this variant (Variation ID: 948244). Invitae Evidence Modeling of protein sequence and biophysical properties (such as structural, functional, and spatial information, amino acid conservation, physicochemical variation, residue mobility, and thermodynamic stability) indicates that this missense variant is not expected to disrupt KCNK3 protein function with a negative predictive value of 80%. In summary, the available evidence is currently insufficient to determine the role of this variant in disease. Therefore, it has been classified as a Variant of Uncertain Significance.

Ambry Genetics
Classification: Uncertain significance for Inborn genetic diseases. Last evaluated: 2024-03-16. Review status: criteria provided, single submitter. Criteria: Ambry Variant Classification Scheme 2023. Collection method: clinical testing. Allele origin: germline.